The following is an entry in ClinVar:

NM_003052.5(SLC34A1):c.596A>C (p.Asn199Thr)

Gene: SLC34A1 (solute carrier family 34 member 1; plus strand). Cytogenetic location: 5q35.3.
Variant type: single nucleotide variant.
Coding change: c.596A>C on transcript NM_003052.5 (MANE Select); coding-DNA position 596, A replaced by C.
Protein change: p.Asn199Thr; replaces asparagine 199 with threonine.
Molecular consequence: missense variant.
Genome position (GRCh38, 1-based): chr5:177,387,825, A>C. VCF-style: chr5-177387825-A-C. GRCh37 (hg19) VCF-style: chr5-176814826-A-C.
Other names: c.596A>C, p.Asn199Thr (NM_001167579.2); short protein forms N199T.
Identifiers: ClinVar variation 3377727 (VCV003377727.1).
Genomic context (GRCh38, chr5:177,387,825, plus strand): 5'-TGGAGGTGAGCTCTGCCATCCCCATCATCATGGGCTCCAACATCGGCACCTCTGTCACCA[A>C]CACCATCGTGGCCCTGATGCAGGCGGGGGACAGGACTGACTTCCGGCGGTGAGGGGGGCT-3'
Protein context (NP_003043.3, residues 189-209): MGSNIGTSVT[Asn199Thr]TIVALMQAGD

ClinVar aggregate classification (germline): Uncertain significance (1 of 4 stars; one submission).

Conditions:
Hypophosphatemic nephrolithiasis/osteoporosis 1. Identifiers: Orphanet 244305, MedGen C2676786, MONDO:0012850, OMIM 612286.

gnomAD v4.1: 13 of 1,598,856 alleles (0.00081%); highest among the groups gnomAD compares: South Asian, 0.014%; no homozygotes.

Submission:

Neuberg Centre For Genomic Medicine, NCGM
Classification: Uncertain significance for Hypophosphatemic nephrolithiasis/osteoporosis 1. Last evaluated: 2023-06-22. Review status: criteria provided, single submitter. Criteria: ACMG Guidelines, 2015. Collection method: clinical testing. Allele origin: germline. Inheritance: Autosomal dominant inheritance. Affected: yes.
Comment: The observed missense c.596A>C(p.Asn199Thr) variant in SLC34A1 gene has not been reported previously as a pathogenic variant nor as a benign variant, to our knowledge. This variant is present with an allele frequency of 0.0004% in gnomAD Exomes database. This variant has not been submitted to the ClinVar database. Multiple lines of computational evidence (Polyphen -Possibly Damaging, SIFT - Damaging and MutationTaster - Disease causing) predict damaging effect on protein structure and function for this variant. The reference amino acid in SLC34A1 is predicted as conserved by GERP++ and PhyloP across 100 vertebrates. The amino acid Asn at position 199 is changed to a Thr changing protein sequence and it might alter its composition and physico-chemical properties. For these reasons, this variant has been classified as Uncertain Significance (VUS).